The following is an entry in ClinVar:

NM_001042545.2(LTBP4):c.3863T>A (p.Val1288Glu)

Gene: LTBP4 (latent transforming growth factor beta binding protein 4; plus strand). Cytogenetic location: 19q13.2.
Variant type: single nucleotide variant.
Coding change: c.3863T>A on transcript NM_001042545.2 (MANE Select); coding-DNA position 3863, T replaced by A.
Protein change: p.Val1288Glu; replaces valine 1288 with glutamic acid.
Molecular consequence: missense variant.
Genome position (GRCh38, 1-based): chr19:40,625,887, T>A. VCF-style: chr19-40625887-T-A. GRCh37 (hg19) VCF-style: chr19-41131792-T-A.
Other names: c.4064T>A, p.Val1355Glu (NM_001042544.1); c.3953T>A, p.Val1318Glu (NM_003573.2); short protein forms V1288E, V1318E, V1355E.
Identifiers: ClinVar variation 3898778 (VCV003898778.1).
Genomic context (GRCh38, chr19:40,625,887, plus strand): 5'-CACTCTGACACATGCTGTCTCCACCTACAGATGACAATCTGGGAGTGTGCTGGCAGGAAG[T>A]GGGGGCTGACCTCGTGTGCAGCCACCCTCGGCTGGACCGTCAGGCCACCTACACAGAGTG-3'
Protein context (NP_001036010.1, residues 1278-1298): DDNLGVCWQE[Val1288Glu]GADLVCSHPR

ClinVar aggregate classification (germline): Uncertain significance (1 of 4 stars; one submission).

Submission:

GeneDx
Classification: Uncertain significance. Last evaluated: 2024-11-11. Review status: criteria provided, single submitter. Criteria: GeneDx Variant Classification Process June 2021. Collection method: clinical testing. Allele origin: germline. Affected: yes.
Comment: Not observed at significant frequency in large population cohorts (gnomAD); In silico analysis supports that this missense variant has a deleterious effect on protein structure/function; Has not been previously published as pathogenic or benign to our knowledge